The following is an entry in ClinVar:

ClinVar aggregate classification (germline): Conflicting classifications of pathogenicity. Review status: criteria provided, conflicting classifications (1 of 4 stars). 3 submissions from 3 submitters: Uncertain significance (2); Benign (1). Last evaluated 2024-10-14.

Conditions:
Brugada syndrome. Also called: Sudden unexplained nocturnal death syndrome; Sudden unexpected nocturnal death syndrome; Sudden Unexplained Death Syndrome; Sudden Unexplained Nocturnal Death Syndrome (SUNDS). Identifiers: Orphanet 130, MedGen C1142166, MONDO:0015263.
Cardiovascular phenotype. Identifiers: MedGen CN230736.

Allele frequency attached by ClinVar (database versions not stated): TOPMed 0.00009; gnomAD 0.00005 and 0.00002; 1000 Genomes Project 0.00060; ExAC 0.00011; 1000 Genomes Project 30x 0.00047.
gnomAD v4.1: 38 of 1,614,146 alleles (0.0024%); highest among the groups gnomAD compares: East Asian, 0.078%; no homozygotes.

Submissions (3):

Labcorp Genetics (formerly Invitae), Labcorp
Classification: Uncertain significance for Brugada syndrome. Last evaluated: 2024-10-14. Review status: criteria provided, single submitter. Criteria: Invitae Variant Classification Sherloc (09022015). Collection method: clinical testing. Allele origin: germline.
Comment: This sequence change replaces proline, which is neutral and non-polar, with leucine, which is neutral and non-polar, at codon 1675 of the SCN10A protein (p.Pro1675Leu). This variant is present in population databases (rs564943632, gnomAD 0.1%). This variant has not been reported in the literature in individuals affected with SCN10A-related conditions. ClinVar contains an entry for this variant (Variation ID: 861312). Invitae Evidence Modeling of protein sequence and biophysical properties (such as structural, functional, and spatial information, amino acid conservation, physicochemical variation, residue mobility, and thermodynamic stability) indicates that this missense variant is expected to disrupt SCN10A protein function with a positive predictive value of 95%. In summary, the available evidence is currently insufficient to determine the role of this variant in disease. Therefore, it has been classified as a Variant of Uncertain Significance.

Women's Health and Genetics/Laboratory Corporation of America, LabCorp
Classification: Uncertain significance. Last evaluated: 2024-09-04. Review status: criteria provided, single submitter. Criteria: LabCorp Variant Classification Summary - May 2015. Collection method: clinical testing. Allele origin: germline.
Comment: Variant summary: SCN10A c.5024C>T (p.Pro1675Leu) results in a non-conservative amino acid change located in the Ion transport domain (IPR005821) of the encoded protein sequence. Four of five in-silico tools predict a damaging effect of the variant on protein function. The variant allele was found at a frequency of 7.2e-05 in 251188 control chromosomes. The observed variant frequency is approximately 11.5-fold of the estimated maximal expected allele frequency for a pathogenic variant in SCN10A causing Arrhythmia phenotype (6.3e-06), suggesting the variant could be benign. To our knowledge, c.5024C>T has not been reported in the literature in individuals affected with Arrhythmia and no experimental evidence demonstrating an impact on protein function has been reported. ClinVar contains an entry for this variant (Variation ID: 861312). Based on the evidence outlined above, the variant was classified as VUS-possibly benign.

Ambry Genetics
Classification: Benign for Cardiovascular phenotype. Last evaluated: 2023-04-27. Review status: criteria provided, single submitter. Criteria: Ambry Variant Classification Scheme 2023. Collection method: clinical testing. Allele origin: germline.

Literature cited by the submitters: PubMed 35330882 (cited by Women's Health and Genetics/Laboratory Corporation of America, LabCorp).

NM_006514.4(SCN10A):c.5024C>T (p.Pro1675Leu)

Gene: SCN10A (sodium voltage-gated channel alpha subunit 10; minus strand). Cytogenetic location: 3p22.2.
Variant type: single nucleotide variant.
Coding change: c.5024C>T on transcript NM_006514.4 (MANE Select); coding-DNA position 5024, C replaced by T.
Protein change: p.Pro1675Leu; replaces proline 1675 with leucine.
Molecular consequence: missense variant.
Genome position (GRCh38, 1-based): chr3:38,698,196, G>A on the plus strand (C>T on the coding strand, the complement: SCN10A is on the minus strand). VCF-style: chr3-38698196-G-A. GRCh37 (hg19) VCF-style: chr3-38739687-G-A.
Other names: c.5021C>T, p.Pro1674Leu (NM_001293306.2); c.4730C>T, p.Pro1577Leu (NM_001293307.2); c.5024C>T (NM_006514.2); short protein forms P1675L, P1577L, P1674L.
Identifiers: ClinVar variation 861312 (VCV000861312.9), dbSNP rs564943632, ClinGen allele CA2319754.